The following is an entry in ClinVar:

NM_173630.4(RTTN):c.6465T>A (p.Asn2155Lys)

Gene: RTTN (rotatin; minus strand). Cytogenetic location: 18q22.2.
Variant type: single nucleotide variant.
Coding change: c.6465T>A on transcript NM_173630.4 (MANE Select); coding-DNA position 6465, T replaced by A.
Protein change: p.Asn2155Lys; replaces asparagine 2155 with lysine.
Molecular consequence: missense variant.
Genome position (GRCh38, 1-based): chr18:70,006,441, A>T on the plus strand (T>A on the coding strand, the complement: RTTN is on the minus strand). VCF-style: chr18-70006441-A-T. GRCh37 (hg19) VCF-style: chr18-67673677-A-T.
Other names: c.3729T>A, p.Asn1243Lys (NM_001318520.2); c.6465T>A (NM_173630.3); short protein forms N1243K, N2155K.
Identifiers: ClinVar variation 1934173 (VCV001934173.6), dbSNP rs765947142, ClinGen allele CA8994651.

ClinVar aggregate classification (germline): Uncertain significance. Review status: criteria provided, multiple submitters, no conflicts (2 of 4 stars). 2 submissions from 2 submitters: Uncertain significance (2). Last evaluated 2025-01-22.

Conditions:
Inborn genetic diseases. Identifiers: MedGen C0950123, MeSH D030342.

Allele frequency attached by ClinVar (database versions not stated): gnomAD 0.00001; gnomAD exomes 0.00001; TOPMed 0.00001; ExAC 0.00002.
gnomAD v4.1: 21 of 1,613,982 alleles (0.0013%); highest among the groups gnomAD compares: Non-Finnish European, 0.00076%; no homozygotes.

Submissions (2):

Ambry Genetics
Classification: Uncertain significance for Inborn genetic diseases. Last evaluated: 2025-01-22. Review status: criteria provided, single submitter. Criteria: Ambry Variant Classification Scheme 2023. Collection method: clinical testing. Allele origin: germline.

Labcorp Genetics (formerly Invitae), Labcorp
Classification: Uncertain significance. Last evaluated: 2022-09-24. Review status: criteria provided, single submitter. Criteria: Invitae Variant Classification Sherloc (09022015). Collection method: clinical testing. Allele origin: germline.
Comment: In summary, the available evidence is currently insufficient to determine the role of this variant in disease. Therefore, it has been classified as a Variant of Uncertain Significance. Advanced modeling of protein sequence and biophysical properties (such as structural, functional, and spatial information, amino acid conservation, physicochemical variation, residue mobility, and thermodynamic stability) performed at Invitae indicates that this missense variant is not expected to disrupt RTTN protein function. This variant has not been reported in the literature in individuals affected with RTTN-related conditions. This variant is present in population databases (rs765947142, gnomAD 0.03%). This sequence change replaces asparagine, which is neutral and polar, with lysine, which is basic and polar, at codon 2155 of the RTTN protein (p.Asn2155Lys).